The following is an entry in ClinVar:

ClinVar aggregate classification (germline): Likely pathogenic (1 of 4 stars; one submission).

Submission:

GeneDx
Classification: Likely pathogenic. Last evaluated: 2017-12-14. Review status: criteria provided, single submitter. Criteria: GeneDx Variant Classification (06012015). Collection method: clinical testing. Allele origin: germline. Affected: yes.
Comment: The Q325X variant in the COG8 gene has not been reported previously as a pathogenic variant, nor as a benign variant, to our knowledge. This variant is predicted to cause loss of normal protein function either through protein truncation or nonsense-mediated mRNA decay. The Q325X variant is not observed in large population cohorts (Lek et al., 2016). We interpret Q325X as a likely pathogenic variant.

NM_032382.5(COG8):c.973C>T (p.Gln325Ter)

Gene: COG8 (component of oligomeric golgi complex 8; minus strand). Cytogenetic location: 16q22.1.
Variant type: single nucleotide variant.
Coding change: c.973C>T on transcript NM_032382.5 (MANE Select); coding-DNA position 973, C replaced by T.
Protein change: p.Gln325Ter; replaces glutamine 325 with a stop codon.
Molecular consequence: nonsense.
Genome position (GRCh38, 1-based): chr16:69,334,961, G>A on the plus strand (C>T on the coding strand, the complement: COG8 is on the minus strand). VCF-style: chr16-69334961-G-A. GRCh37 (hg19) VCF-style: chr16-69368864-G-A.
Other names: c.973C>T, p.Gln325Ter (NM_001374871.1, NM_001379261.1, NM_001379262.1 and 4 more transcripts); short protein forms Q325*.
Identifiers: ClinVar variation 489229 (VCV000489229.2), dbSNP rs779899559, ClinGen allele CA396485677.
Genomic context (GRCh38, chr16:69,334,961, plus strand): 5'-GAGAGTCCAGGTGGCCGCCTATGCCCCGGTAAAGGTCGGTCTCCAGCACCTGCAGGAATT[G>A]TGAGACCTTCTGTAGCACCCAGCCATGGAAGATGGCACTCTCATTCACAGTGTGCTCACC-3'